The following is an entry in ClinVar:

ClinVar aggregate classification (germline): Uncertain significance (1 of 4 stars; one submission).

Allele frequency attached by ClinVar (database versions not stated): gnomAD 0.00002; gnomAD exomes 0.00003; ExAC 0.00014; 1000 Genomes Project 30x 0.00047; 1000 Genomes Project 0.00060.
gnomAD v4.1: 44 of 1,607,008 alleles (0.0027%); highest among the groups gnomAD compares: South Asian, 0.046%; 1 homozygote.

Submission:

GeneDx
Classification: Uncertain significance. Last evaluated: 2024-05-03. Review status: criteria provided, single submitter. Criteria: GeneDx Variant Classification Process June 2021. Collection method: clinical testing. Allele origin: germline. Affected: yes.
Comment: In silico analysis indicates that this missense variant does not alter protein structure/function; Has not been previously published as pathogenic or benign to our knowledge

NM_001039141.3(TRIOBP):c.4378T>G (p.Trp1460Gly)

Gene: TRIOBP (TRIO and F-actin binding protein; plus strand). Cytogenetic location: 22q13.1.
Variant type: single nucleotide variant.
Coding change: c.4378T>G on transcript NM_001039141.3 (MANE Select); coding-DNA position 4378, T replaced by G.
Protein change: p.Trp1460Gly; replaces tryptophan 1460 with glycine.
Molecular consequence: missense variant.
Genome position (GRCh38, 1-based): chr22:37,734,714, T>G. VCF-style: chr22-37734714-T-G. GRCh37 (hg19) VCF-style: chr22-38130721-T-G.
Other names: short protein forms W1460G.
Identifiers: ClinVar variation 3252271 (VCV003252271.1), dbSNP rs538536543.
Genomic context (GRCh38, chr22:37,734,714, plus strand): 5'-CATAGACACCTAGAAAGGAGCTGGAGCAGCCAGGAGGGAGGCCTGGGCCCTGGGGGCTGG[T>G]GGGGATGTGGAGAGCCCAGCCTGGGGGCAGCCAAAGCCCCGGAGGGAGCATGGGGGGGCA-3'
Protein context (NP_001034230.1, residues 1450-1470): QEGGLGPGGW[Trp1460Gly]GCGEPSLGAA